The following is an entry in ClinVar:

ClinVar aggregate classification (germline): Uncertain significance (1 of 4 stars; one submission).

Allele frequency attached by ClinVar (database versions not stated): TOPMed below 0.00001.
gnomAD v4.1: 3 of 1,514,414 alleles (0.0002%); highest among the groups gnomAD compares: African/African-American, 0.0014%; no homozygotes.

Submission:

Labcorp Genetics (formerly Invitae), Labcorp
Classification: Uncertain significance. Last evaluated: 2025-06-12. Review status: criteria provided, single submitter. Criteria: Invitae Variant Classification Sherloc (09022015). Collection method: clinical testing. Allele origin: germline.
Comment: This sequence change affects codon 98 of the ATP5D mRNA. It is a 'silent' change, meaning that it does not change the encoded amino acid sequence of the ATP5D protein. It affects a nucleotide within the consensus splice site. This variant is not present in population databases (gnomAD no frequency). This variant has not been reported in the literature in individuals affected with ATP5D-related conditions. ClinVar contains an entry for this variant (Variation ID: 2858451). Algorithms developed to predict the effect of sequence changes on RNA splicing suggest that this variant is not likely to affect RNA splicing. In summary, the available evidence is currently insufficient to determine the role of this variant in disease. Therefore, it has been classified as a Variant of Uncertain Significance.

NM_001687.5(ATP5F1D):c.294T>C (p.Phe98=)

Gene: ATP5F1D (ATP synthase F1 subunit delta; plus strand). Cytogenetic location: 19p13.3.
Variant type: single nucleotide variant.
Coding change: c.294T>C on transcript NM_001687.5 (MANE Select); coding-DNA position 294, T replaced by C.
Protein change: p.Phe98=; no amino-acid change (phenylalanine 98 retained).
Molecular consequence: synonymous variant.
Genome position (GRCh38, 1-based): chr19:1,242,608, T>C. VCF-style: chr19-1242608-T-C. GRCh37 (hg19) VCF-style: chr19-1242607-T-C.
Other names: c.294T>C, p.Phe98= (NM_001001975.2).
Identifiers: ClinVar variation 2858451 (VCV002858451.3), dbSNP rs1033922041, ClinGen allele CA304013898.